The following is an entry in ClinVar:

NM_152443.3(RDH12):c.26C>A (p.Thr9Asn)

Genes: GPHN (gephyrin; plus strand), RDH12 (retinol dehydrogenase 12; plus strand). Cytogenetic location: 14q24.1.
Variant type: single nucleotide variant.
Coding change: c.26C>A on transcript NM_152443.3 (MANE Select); coding-DNA position 26, C replaced by A.
Protein change: p.Thr9Asn; replaces threonine 9 with asparagine.
Molecular consequence: missense variant.
Genome position (GRCh38, 1-based): chr14:67,722,668, C>A. VCF-style: chr14-67722668-C-A. GRCh37 (hg19) VCF-style: chr14-68189385-C-A.
Other names: short protein forms T9N.
Identifiers: ClinVar variation 1426716 (VCV001426716.9), dbSNP rs1173475346, ClinGen allele CA390146261.

ClinVar aggregate classification (germline): Uncertain significance. Review status: criteria provided, multiple submitters, no conflicts (2 of 4 stars). 2 submissions from 2 submitters: Uncertain significance (2). Last evaluated 2024-09-07.

Conditions:
Leber congenital amaurosis 13 (LCA13). Identifiers: MedGen C2675186, MONDO:0012990, OMIM 612712.

Allele frequency attached by ClinVar (database versions not stated): TOPMed 0.00001.
gnomAD v4.1: 14 of 1,613,606 alleles (0.00087%); highest among the groups gnomAD compares: Non-Finnish European, 0.0012%; no homozygotes.

Submissions (2):

Blueprint Genetics
Classification: Uncertain significance. Last evaluated: 2024-09-07. Review status: criteria provided, single submitter. Criteria: ACMG Guidelines, 2015. Collection method: clinical testing. Allele origin: germline.

Labcorp Genetics (formerly Invitae), Labcorp
Classification: Uncertain significance for Leber congenital amaurosis 13. Last evaluated: 2024-08-20. Review status: criteria provided, single submitter. Criteria: Invitae Variant Classification Sherloc (09022015). Collection method: clinical testing. Allele origin: germline.
Comment: This sequence change replaces threonine, which is neutral and polar, with asparagine, which is neutral and polar, at codon 9 of the RDH12 protein (p.Thr9Asn). This variant is not present in population databases (gnomAD no frequency). This variant has not been reported in the literature in individuals affected with RDH12-related conditions. ClinVar contains an entry for this variant (Variation ID: 1426716). Experimental studies and prediction algorithms are not available or were not evaluated, and the functional significance of this variant is currently unknown. In summary, the available evidence is currently insufficient to determine the role of this variant in disease. Therefore, it has been classified as a Variant of Uncertain Significance.